The following is an entry in ClinVar:

ClinVar aggregate classification (germline): Conflicting classifications of pathogenicity. Review status: criteria provided, conflicting classifications (1 of 4 stars). 2 submissions from 2 submitters: Uncertain significance (1); Likely benign (1). Last evaluated 2025-08-18.

Conditions:
Desmin-related myofibrillar myopathy (MFM1). Also called: Myofibrillar myopathy 1; Desminopathy; Desmin related myopathy (former name); Desmin storage myopathy (former name); MYOFIBRILLAR MYOPATHY WITH ARRHYTHMOGENIC RIGHT VENTRICULAR CARDIOMYOPATHY; DESMIN-RELATED MYOPATHY WITH ARRHYTHMOGENIC RIGHT VENTRICULAR CARDIOMYOPATHY. Identifiers: Orphanet 363543, Orphanet 98909, MedGen C1832370, MONDO:0011076, OMIM 601419.
Cardiovascular phenotype. Identifiers: MedGen CN230736.

Submissions (2):

Labcorp Genetics (formerly Invitae), Labcorp
Classification: Uncertain significance for Desmin-related myofibrillar myopathy. Last evaluated: 2025-08-18. Review status: criteria provided, single submitter. Criteria: Invitae Variant Classification Sherloc (09022015). Collection method: clinical testing. Allele origin: germline.
Comment: This sequence change replaces leucine, which is neutral and non-polar, with isoleucine, which is neutral and non-polar, at codon 154 of the DES protein (p.Leu154Ile). This variant is not present in population databases (gnomAD no frequency). This variant has not been reported in the literature in individuals affected with DES-related conditions. ClinVar contains an entry for this variant (Variation ID: 1741869). Invitae Evidence Modeling of protein sequence and biophysical properties (such as structural, functional, and spatial information, amino acid conservation, physicochemical variation, residue mobility, and thermodynamic stability) indicates that this missense variant is not expected to disrupt DES protein function with a negative predictive value of 80%. In summary, the available evidence is currently insufficient to determine the role of this variant in disease. Therefore, it has been classified as a Variant of Uncertain Significance.

Ambry Genetics
Classification: Likely benign for Cardiovascular phenotype. Last evaluated: 2021-11-14. Review status: criteria provided, single submitter. Criteria: Ambry Variant Classification Scheme 2023. Collection method: clinical testing. Allele origin: germline.

NM_001927.4(DES):c.460C>A (p.Leu154Ile)

Gene: DES (desmin; plus strand). Cytogenetic location: 2q35.
Variant type: single nucleotide variant.
Coding change: c.460C>A on transcript NM_001927.4 (MANE Select); coding-DNA position 460, C replaced by A.
Protein change: p.Leu154Ile; replaces leucine 154 with isoleucine.
Molecular consequence: missense variant.
Genome position (GRCh38, 1-based): chr2:219,418,922, C>A. VCF-style: chr2-219418922-C-A. GRCh37 (hg19) VCF-style: chr2-220283644-C-A.
Other names: c.460C>A, p.Leu154Ile (NM_001382708.1, NM_001382709.1, NM_001382710.1 and 3 more transcripts); short protein forms L154I.
Identifiers: ClinVar variation 1741869 (VCV001741869.3), dbSNP rs753904474, ClinGen allele CA2125070.